The following is an entry in ClinVar:

ClinVar aggregate classification (germline): Likely pathogenic (0 of 4 stars; one submission).

Conditions:
Bainbridge-Ropers syndrome. Also called: Severe feeding difficulties-failure to thrive-microcephaly due to ASXL3 deficiency syndrome. Identifiers: Orphanet 352577, MedGen C4750837, MONDO:0014205, OMIM 615485.

Submission:

Solve-RD Consortium
Classification: Likely pathogenic for Bainbridge-Ropers syndrome. Last evaluated: 2022-06-01. Review status: no assertion criteria provided. Collection method: provider interpretation. Allele origin: de novo. Affected: yes.
Comment: Variant confirmed as disease-causing by referring clinical team

Variant identified during reanalysis of unsolved cases by the Solve-RD project. The Solve-RD project has received funding from the European Union’s Horizon 2020 research and innovation programme under grant agreement No 779257.

Literature cited by the submitters: PubMed 39825153.

NM_030632.3(ASXL3):c.1102G>T (p.Glu368Ter)

Gene: ASXL3 (ASXL transcriptional regulator 3; plus strand). Cytogenetic location: 18q12.1.
Variant type: single nucleotide variant.
Coding change: c.1102G>T on transcript NM_030632.3 (MANE Select); coding-DNA position 1102, G replaced by T.
Protein change: p.Glu368Ter; replaces glutamic acid 368 with a stop codon.
Molecular consequence: nonsense.
Genome position (GRCh38, 1-based): chr18:33,738,506, G>T. VCF-style: chr18-33738506-G-T. GRCh37 (hg19) VCF-style: chr18-31318470-G-T.
Other names: short protein forms E368*.
Identifiers: ClinVar variation 3256775 (VCV003256775.1).